The following is an entry in ClinVar:

ClinVar aggregate classification (germline): Uncertain significance (1 of 4 stars; one submission).

Submission:

GeneDx
Classification: Uncertain significance. Last evaluated: 2024-01-18. Review status: criteria provided, single submitter. Criteria: GeneDx Variant Classification Process June 2021. Collection method: clinical testing. Allele origin: germline. Affected: yes.
Comment: In silico analysis supports that this missense variant has a deleterious effect on protein structure/function; Has not been previously published as pathogenic or benign to our knowledge

NM_001080432.3(FTO):c.286C>T (p.Arg96Cys)

Gene: FTO (FTO alpha-ketoglutarate dependent dioxygenase; plus strand). Cytogenetic location: 16q12.2.
Variant type: single nucleotide variant.
Coding change: c.286C>T on transcript NM_001080432.3 (MANE Select); coding-DNA position 286, C replaced by T.
Protein change: p.Arg96Cys; replaces arginine 96 with cysteine.
Molecular consequence: missense variant.
Genome position (GRCh38, 1-based): chr16:53,826,026, C>T. VCF-style: chr16-53826026-C-T. GRCh37 (hg19) VCF-style: chr16-53859938-C-T.
Other names: c.286C>T, p.Arg96Cys (NM_001363891.2, NM_001363894.2, NM_001363896.2 and 6 more transcripts); c.208C>T, p.Arg70Cys (NM_001363897.2); c.-228C>T (NM_001363905.2); short protein forms R70C, R96C.
Identifiers: ClinVar variation 3368064 (VCV003368064.1).
Genomic context (GRCh38, chr16:53,826,026, plus strand): 5'-GGCTGCTTATTTCGGGACCTGGTTAGGATCCAAGGCAAAGATCTGCTCACTCCGGTATCT[C>T]GCATCCTCATTGGTAATCCAGGCTGCACCTACAAGTACCTGAACACCAGGCTCTTTACGG-3'
Protein context (NP_001073901.1, residues 86-106): QGKDLLTPVS[Arg96Cys]ILIGNPGCTY